The following is an entry in ClinVar:

ClinVar aggregate classification (germline): Pathogenic (1 of 4 stars; one submission).

Conditions:
Severe myoclonic epilepsy in infancy (DRVT). Also called: Epileptic encephalopathy, early infantile, 6 (Dravet syndrome); SEVERE MYOCLONIC EPILEPSY OF INFANCY; DEVELOPMENTAL AND EPILEPTIC ENCEPHALOPATHY 6A; Severe Myoclonic Epilepsy in Infancy (SMEI); Dravet syndrome. Identifiers: Orphanet 33069, MedGen C0751122, MONDO:0100135, OMIM 607208.

Submission:

Center for Bioinformatics, Peking University
Classification: Pathogenic for Dravet syndrome. Last evaluated: 2014-12-20. Review status: criteria provided, single submitter. Criteria: Xu et al. (Hum Mutat. 2015). Collection method: research. Allele origin: de novo. Affected: yes. Observed: 1 variant allele. Study: University Clinical Cooperation “985 Project” PKU-2014-1-1.
Comment: Dravet syndrome (DS) probands were recruited from the outpatient and inpatient child neurology units of Peking University First Hospital from 2005 till present. The study was approved by the Ethics Committee of Peking University First Hospital and the Institutional Review Board at Peking University. Participants or their parents provided written informed consent before enrollment. We collected a total of 267 mutations from 255 families with probands diagnosed with DS in China. All probands fulfilled the clinical diagnostic criteria.

NM_001165963.4(SCN1A):c.4088T>A (p.Ile1363Asn)

Genes: SCN1A (sodium voltage-gated channel alpha subunit 1; minus strand), LOC102724058 (uncharacterized LOC102724058; plus strand). Cytogenetic location: 2q24.3.
Variant type: single nucleotide variant.
Coding change: c.4088T>A on transcript NM_001165963.4 (MANE Select); coding-DNA position 4088, T replaced by A.
Protein change: p.Ile1363Asn; replaces isoleucine 1363 with asparagine.
Molecular consequence: missense variant. On other transcripts: non-coding transcript variant (1).
Genome position (GRCh38, 1-based): chr2:166,002,668, A>T on the plus strand (T>A on the coding strand, the complement: SCN1A is on the minus strand). VCF-style: chr2-166002668-A-T. GRCh37 (hg19) VCF-style: chr2-166859178-A-T.
Other names: c.4004T>A, p.Ile1335Asn (NM_001165964.3, NM_001353957.2, NM_001353958.2); c.4088T>A, p.Ile1363Asn (NM_001202435.3, NM_001353948.2); c.4055T>A, p.Ile1352Asn (NM_001353949.2, NM_001353950.2, NM_001353951.2 and 2 more transcripts); c.4052T>A, p.Ile1351Asn (NM_001353954.2, NM_001353955.2); c.4001T>A, p.Ile1334Asn (NM_001353960.2); c.1646T>A, p.Ile549Asn (NM_001353961.2); short protein forms I1352N, I1363N, I1334N, I1351N, I1335N, I549N.
Identifiers: ClinVar variation 189856 (VCV000189856.1), dbSNP rs794726707, ClinGen allele CA303118.